The following is an entry in ClinVar:

ClinVar aggregate classification (germline): Uncertain significance (1 of 4 stars; one submission).

Submission:

Labcorp Genetics (formerly Invitae), Labcorp
Classification: Uncertain significance. Last evaluated: 2023-11-03. Review status: criteria provided, single submitter. Criteria: Invitae Variant Classification Sherloc (09022015). Collection method: clinical testing. Allele origin: germline.
Comment: This sequence change affects a splice site in intron 14 of the CFB gene. It is expected to disrupt RNA splicing. Variants that disrupt the donor or acceptor splice site typically lead to a loss of protein function (PMID: 16199547), however the current clinical and genetic evidence is not sufficient to establish whether loss-of-function variants in CFB cause disease. Information on the frequency of this variant in the gnomAD database is not available, as this variant may be reported differently in the database. This variant has not been reported in the literature in individuals affected with CFB-related conditions. In summary, the available evidence is currently insufficient to determine the role of this variant in disease. Therefore, it has been classified as a Variant of Uncertain Significance.

Literature cited by the submitters: PubMed 16199547.

NM_001710.6(CFB):c.1855+2_1855+3delinsAC

Gene: CFB (complement factor B; plus strand). Cytogenetic location: 6p21.33.
Variant type: Indel.
Coding change: c.1855+2_1855+3delinsAC on transcript NM_001710.6 (MANE Select); the canonical splice donor site of the intron after coding-DNA position 1855 through 3 bases into the intron after coding-DNA position 1855, TA replaced by AC.
Molecular consequence: splice donor variant.
Genome position (GRCh38, 1-based): chr6:31,950,946-31,950,947, TA replaced by AC. VCF-style: chr6-31950946-TA-AC. GRCh37 (hg19) VCF-style: chr6-31918723-TA-AC.
Identifiers: ClinVar variation 2692873 (VCV002692873.3), dbSNP rs2482709990, ClinGen allele CA2697546674.